The following is an entry in ClinVar:

ClinVar aggregate classification (germline): Likely benign. Review status: criteria provided, multiple submitters, no conflicts (2 of 4 stars). 2 submissions from 2 submitters: Likely benign (2). Last evaluated 2024-11-12.

Conditions:
Hereditary diffuse gastric adenocarcinoma (HDGC). Also called: DIFFUSE GASTRIC AND LOBULAR BREAST CANCER SYNDROME. Identifiers: Orphanet 26106, MedGen C1708349, MONDO:0007648, OMIM 137215.
Endometrial carcinoma. Also called: Endometrial carcinoma, somatic. Identifiers: MedGen C0476089, MONDO:0002447, OMIM 608089, HP:0012114.
Ovarian cancer. Also called: OVARIAN CANCER, SOMATIC. Identifiers: Orphanet 213500, MedGen C1140680, MONDO:0008170, OMIM 167000.
Blepharocheilodontic syndrome 1 (BCDS1). Identifiers: Orphanet 1997, MedGen C4551988, MONDO:0054740, OMIM 119580.
Familial cancer of breast. Also called: hereditary breast carcinoma; BREAST CANCER, FAMILIAL; Hereditary breast cancer. Identifiers: Orphanet 227535, MedGen C0346153, MONDO:0016419, OMIM 114480. Disease mechanism: loss of function.

Submissions (2):

Department of Pathology and Laboratory Medicine, Sinai Health System
Classification: Likely benign for Familial cancer of breast; Blepharocheilodontic syndrome 1; Hereditary diffuse gastric adenocarcinoma; Ovarian cancer; Endometrial carcinoma. Last evaluated: 2024-11-12. Review status: criteria provided, single submitter. Criteria: ACMG Guidelines, 2015. Collection method: clinical testing. Allele origin: germline.

Myriad Genetics, Inc.
Classification: Likely benign for Hereditary diffuse gastric adenocarcinoma. Last evaluated: 2024-09-16. Review status: criteria provided, single submitter. Criteria: Myriad Autosomal Dominant, Autosomal Recessive and X-Linked Classification Criteria (2023). Collection method: clinical testing. Allele origin: unknown.
Comment: This variant is considered likely benign. This variant is intronic and is not expected to impact mRNA splicing.

NM_004360.5(CDH1):c.832+7C>T

Gene: CDH1 (cadherin 1; plus strand). Cytogenetic location: 16q22.1.
Variant type: single nucleotide variant.
Coding change: c.832+7C>T on transcript NM_004360.5 (MANE Select); 7 bases into the intron after coding-DNA position 832, C replaced by T.
Molecular consequence: intron variant.
Genome position (GRCh38, 1-based): chr16:68,810,348, C>T. VCF-style: chr16-68810348-C-T. GRCh37 (hg19) VCF-style: chr16-68844251-C-T.
Other names: c.-784+7C>T (NM_001317185.2); c.-988+7C>T (NM_001317186.2); c.832+7C>T (NM_001317184.2).
Identifiers: ClinVar variation 3378437 (VCV003378437.2).